The following is an entry in ClinVar:

ClinVar aggregate classification (germline): Uncertain significance. Review status: criteria provided, single submitter (1 of 4 stars). 2 submissions from 2 submitters: Uncertain significance (1). 1 of the submissions does not count toward it. Last evaluated 2025-07-14.

Conditions:
PKHD1-related disorder. Also called: PKHD1-related condition.

Submissions (2):

GeneDx
Classification: Uncertain significance. Last evaluated: 2025-07-14. Review status: criteria provided, single submitter. Criteria: GeneDx Variant Classification Process June 2021. Collection method: clinical testing. Allele origin: germline. Affected: yes.
Comment: Reported phase unknown with another PKHD1 variant in an individual from a cohort of patients with pediatric liver diseases (PMID: 30366773); In-frame deletion of 7 amino acid(s) in a non-repeat region; In silico analysis suggests that this variant does not alter protein structure/function; This variant is associated with the following publications: (PMID: 30366773)

PreventionGenetics, part of Exact Sciences
Classification: Uncertain significance for PKHD1-related condition. Last evaluated: 2024-03-20. Review status: no assertion criteria provided. Collection method: clinical testing. Allele origin: germline. Not counted in ClinVar's aggregate classification.
Comment: The PKHD1 c.1766_1786del21 variant is predicted to result in an in-frame deletion (p.Arg589_Val595del). This variant was reported with a missense PKHD1 variant of uncertain significance in an individual with polycystic liver and kidney disease (Chen et al. 2019. PubMed ID: 30366773). This variant is reported in 0.027% of alleles in individuals of East Asian descent in gnomAD. To our knowledge, no missense or smaller in-frame deletion variants within this in-frame deletion interval have been reported to be pathogenic. At this time, the clinical significance of this variant is uncertain due to the absence of conclusive functional and genetic evidence.

NM_138694.4(PKHD1):c.1766_1786del (p.Arg589_Val595del)

Gene: PKHD1 (PKHD1 ciliary IPT domain containing fibrocystin/polyductin; minus strand). Cytogenetic location: 6p12.2.
Variant type: Deletion.
Coding change: c.1766_1786del on transcript NM_138694.4 (MANE Select); coding-DNA positions 1766 to 1786, 21 bases deleted (GTCAGCCTCGACACCTTGTCC).
Protein change: p.Arg589_Val595del.
Molecular consequence: inframe deletion.
Genome position (GRCh38, 1-based): chr6:52,055,637-52,055,657, GGACAAGGTGTCGAGGCTGAC deleted on the plus strand (GTCAGCCTCGACACCTTGTCC on the coding strand, the reverse complement: PKHD1 is on the minus strand); deleting any 21 consecutive bases within chr6:52,055,637-52,055,660 gives the same sequence; the c. name uses the placement nearest the transcript's 3' end. VCF-style (leftmost placement, unchanged base first): chr6-52055636-AGGACAAGGTGTCGAGGCTGAC-A. GRCh37 (hg19) VCF-style: chr6-51920434-AGGACAAGGTGTCGAGGCTGAC-A.
Other names: c.1766_1786del (NM_138694.3); c.1766_1786del, p.Arg589_Val595del (NM_170724.3); c.1766_1786del21 (NM_138694.3).
Identifiers: ClinVar variation 3349643 (VCV003349643.2).